The following is an entry in ClinVar:

ClinVar aggregate classification (germline): Likely benign (0 of 4 stars; one submission).

Conditions:
CEP164-related disorder. Also called: CEP164-related condition.

Submission:

PreventionGenetics, part of Exact Sciences
Classification: Likely benign for CEP164-related condition. Last evaluated: 2024-08-23. Review status: no assertion criteria provided. Collection method: clinical testing. Allele origin: germline.
Comment: This variant is classified as likely benign based on ACMG/AMP sequence variant interpretation guidelines (Richards et al. 2015 PMID: 25741868, with internal and published modifications).

NM_014956.5(CEP164):c.-9A>T

Gene: CEP164 (centrosomal protein 164; plus strand). Cytogenetic location: 11q23.3.
Variant type: single nucleotide variant.
Coding change: c.-9A>T on transcript NM_014956.5 (MANE Select); 9 bases upstream of the start codon, A replaced by T.
Molecular consequence: 5 prime UTR variant.
Genome position (GRCh38, 1-based): chr11:117,338,578, A>T. VCF-style: chr11-117338578-A-T. GRCh37 (hg19) VCF-style: chr11-117209294-A-T.
Other names: c.-9A>T (NM_001271933.2).
Identifiers: ClinVar variation 3344643 (VCV003344643.1).